The following is an entry in ClinVar:

NM_004629.2(FANCG):c.1185G>C (p.Glu395Asp)

Gene: FANCG (FA complementation group G; minus strand). Cytogenetic location: 9p13.3.
Variant type: single nucleotide variant.
Coding change: c.1185G>C on transcript NM_004629.2 (MANE Select); coding-DNA position 1185, G replaced by C.
Protein change: p.Glu395Asp; replaces glutamic acid 395 with aspartic acid.
Molecular consequence: missense variant.
Genome position (GRCh38, 1-based): chr9:35,075,713, C>G on the plus strand (G>C on the coding strand, the complement: FANCG is on the minus strand). VCF-style: chr9-35075713-C-G. GRCh37 (hg19) VCF-style: chr9-35075710-C-G.
Other names: short protein forms E395D.
Identifiers: ClinVar variation 3512864 (VCV003512864.1).
Genomic context (GRCh38, chr9:35,075,713, plus strand): 5'-AGTCAAGGCATCTTGGGCTCTGCCTGCCTGGATCAGTGCTACCGCTGCCTCCAAAAACAC[C>G]TCAGGCATACAGGGCCCTGGAGGGGAGGGGGGTGGGGAGAACTGGAGTGGGAAGAAGAAG-3'
Protein context (NP_004620.1, residues 385-405): PPSPPGPCMP[Glu395Asp]VFLEAAVALI

ClinVar aggregate classification (germline): Uncertain significance (1 of 4 stars; one submission).

Conditions:
Inborn genetic diseases. Identifiers: MedGen C0950123, MeSH D030342.

gnomAD v4.1: 1 of 1,599,460 alleles (0.000063%); highest among the groups gnomAD compares: Non-Finnish European, 0.000085%; no homozygotes.

Submission:

Ambry Genetics
Classification: Uncertain significance for Inborn genetic diseases. Last evaluated: 2024-12-08. Review status: criteria provided, single submitter. Criteria: Ambry Variant Classification Scheme 2023. Collection method: clinical testing. Allele origin: germline.
Comment: The p.E395D variant (also known as c.1185G>C), located in coding exon 10 of the FANCG gene, results from a G to C substitution at nucleotide position 1185. The glutamic acid at codon 395 is replaced by aspartic acid, an amino acid with highly similar properties. This amino acid position is conserved. In addition, this alteration is predicted to be tolerated by in silico analysis. Based on the available evidence, the clinical significance of this variant remains unclear.